The following is an entry in ClinVar:

NM_020975.6(RET):c.1327C>T (p.His443Tyr)

Gene: RET (ret proto-oncogene; plus strand). Cytogenetic location: 10q11.21.
Variant type: single nucleotide variant.
Coding change: c.1327C>T on transcript NM_020975.6 (MANE Select); coding-DNA position 1327, C replaced by T.
Protein change: p.His443Tyr; replaces histidine 443 with tyrosine.
Molecular consequence: missense variant.
Genome position (GRCh38, 1-based): chr10:43,111,270, C>T. VCF-style: chr10-43111270-C-T. GRCh37 (hg19) VCF-style: chr10-43606718-C-T.
Other names: c.1327C>T, p.His443Tyr (NM_000323.2, NM_001406743.1, NM_001406744.1 and 6 more transcripts); c.565C>T, p.His189Tyr (NM_001355216.2); c.1198C>T, p.His400Tyr (NM_001406761.1, NM_001406762.1, NM_001406764.1 and 1 more transcripts); c.1039C>T, p.His347Tyr (NM_001406766.1, NM_001406767.1, NM_001406770.1); c.931C>T, p.His311Tyr (NM_001406769.1, NM_001406772.1); c.889C>T, p.His297Tyr (NM_001406771.1, NM_001406773.1); c.802C>T, p.His268Tyr (NM_001406774.1); c.601C>T, p.His201Tyr (NM_001406775.1, NM_001406776.1, NM_001406777.1 and 1 more transcripts); and 1 more; short protein forms H443Y, H189Y, H201Y, H347Y, H113Y, H311Y, H400Y, H268Y.
Identifiers: ClinVar variation 653361 (VCV000653361.11), dbSNP rs772292843, ClinGen allele CA033105.

ClinVar aggregate classification (germline): Conflicting classifications of pathogenicity. Review status: criteria provided, conflicting classifications (1 of 4 stars). 3 submissions from 3 submitters: Uncertain significance (2); Likely benign (1). Last evaluated 2025-07-20.

Conditions:
Multiple endocrine neoplasia, type 2 (MEN2). Identifiers: Orphanet 653, MedGen C4048306, MONDO:0019003. Disease mechanism: gain of function.
Hereditary cancer-predisposing syndrome. Also called: Neoplastic Syndromes, Hereditary; Tumor predisposition; Hereditary Cancer Syndrome; Hereditary neoplastic syndrome. Identifiers: Orphanet 140162, MedGen C0027672, MeSH D009386, MONDO:0015356.

Allele frequency attached by ClinVar (database versions not stated): gnomAD exomes below 0.00001; ExAC 0.00001; TOPMed 0.00001.
gnomAD v4.1: 2 of 1,614,194 alleles (0.00012%); highest among the groups gnomAD compares: Non-Finnish European, 0.00017%; no homozygotes.

Submissions (3):

Color Diagnostics, LLC DBA Color Health
Classification: Uncertain significance for Multiple endocrine neoplasia, type 2. Last evaluated: 2025-07-20. Review status: criteria provided, single submitter. Criteria: ACMG Guidelines, 2015. Collection method: clinical testing. Allele origin: germline.
Comment: This missense variant replaces histidine with tyrosine at codon 443 of the RET protein. Computational prediction suggests that this variant may not impact protein structure and function. To our knowledge, functional studies have not been reported for this variant. This variant has not been reported in individuals affected with RET-related disorders in the literature. This variant has been identified in 1/251450 chromosomes in the general population by the Genome Aggregation Database (gnomAD). The available evidence is insufficient to determine the role of this variant in disease conclusively. Therefore, this variant is classified as a Variant of Uncertain Significance.

Ambry Genetics
Classification: Likely benign for Hereditary cancer-predisposing syndrome. Last evaluated: 2024-11-25. Review status: criteria provided, single submitter. Criteria: Ambry Variant Classification Scheme 2023. Collection method: clinical testing. Allele origin: germline.

Labcorp Genetics (formerly Invitae), Labcorp
Classification: Uncertain significance for Multiple endocrine neoplasia, type 2. Last evaluated: 2024-10-22. Review status: criteria provided, single submitter. Criteria: Invitae Variant Classification Sherloc (09022015). Collection method: clinical testing. Allele origin: germline.
Comment: This sequence change replaces histidine, which is basic and polar, with tyrosine, which is neutral and polar, at codon 443 of the RET protein (p.His443Tyr). This variant is present in population databases (rs772292843, gnomAD 0.0009%). This variant has not been reported in the literature in individuals affected with RET-related conditions. ClinVar contains an entry for this variant (Variation ID: 653361). An algorithm developed to predict the effect of missense changes on protein structure and function (PolyPhen-2) suggests that this variant is likely to be tolerated. In summary, the available evidence is currently insufficient to determine the role of this variant in disease. Therefore, it has been classified as a Variant of Uncertain Significance.